The following is an entry in ClinVar:

NM_005761.3(PLXNC1):c.3570G>A (p.Leu1190=)

Gene: PLXNC1 (plexin C1; plus strand). Cytogenetic location: 12q22.
Variant type: single nucleotide variant.
Coding change: c.3570G>A on transcript NM_005761.3 (MANE Select); coding-DNA position 3570, G replaced by A.
Protein change: p.Leu1190=; no amino-acid change (leucine 1190 retained).
Molecular consequence: synonymous variant. On other transcripts: non-coding transcript variant (1).
Genome position (GRCh38, 1-based): chr12:94,265,198, G>A. VCF-style: chr12-94265198-G-A. GRCh37 (hg19) VCF-style: chr12-94658974-G-A.
Identifiers: ClinVar variation 2643219 (VCV002643219.24), dbSNP rs2540903479, ClinGen allele CA481396028.
Genomic context (GRCh38, chr12:94,265,198, plus strand): 5'-GGGTCCCGTGGATGTAATCACTTGCAAAGCCCTGTACACACTTAATGAAGACTGGCTGTT[G>A]TGGCAGGTTCCGGAATTCAGTACTGTGGTATGTTTTCAATAAAGCTCCCAGCCAGACTCC-3'
Protein context (NP_005752.1, residues 1180-1200): ALYTLNEDWL[Leu1190=]WQVPEFSTVA

ClinVar aggregate classification (germline): Likely benign (1 of 4 stars; one submission).

Submission:

CeGaT Center for Human Genetics Tuebingen
Classification: Likely benign. Last evaluated: 2022-11-01. Review status: criteria provided, single submitter. Criteria: CeGaT Center For Human Genetics Tuebingen Variant Classification Criteria Version 2. Collection method: clinical testing. Allele origin: germline. Affected: yes. Observed: 1 variant allele.
Comment: PLXNC1: PM2:Supporting, BP4, BP7